The following is an entry in ClinVar:

ClinVar aggregate classification (germline): Uncertain significance. Review status: criteria provided, multiple submitters, no conflicts (2 of 4 stars). 3 submissions from 3 submitters: Uncertain significance (3). Last evaluated 2025-08-19.

Conditions:
Inborn genetic diseases. Identifiers: MedGen C0950123, MeSH D030342.
Aortic valve disease 2 (AOVD2). Identifiers: MedGen C3542024, MONDO:0013902, OMIM 614823.

Allele frequency attached by ClinVar (database versions not stated): gnomAD 0.00001.

Submissions (3):

Labcorp Genetics (formerly Invitae), Labcorp
Classification: Uncertain significance for Aortic valve disease 2. Last evaluated: 2025-08-19. Review status: criteria provided, single submitter. Criteria: Invitae Variant Classification Sherloc (09022015). Collection method: clinical testing. Allele origin: germline.
Comment: This sequence change replaces leucine, which is neutral and non-polar, with phenylalanine, which is neutral and non-polar, at codon 226 of the SMAD6 protein (p.Leu226Phe). This variant is not present in population databases (gnomAD no frequency). This variant has not been reported in the literature in individuals affected with SMAD6-related conditions. ClinVar contains an entry for this variant (Variation ID: 2587747). Invitae Evidence Modeling of protein sequence and biophysical properties (such as structural, functional, and spatial information, amino acid conservation, physicochemical variation, residue mobility, and thermodynamic stability) indicates that this missense variant is not expected to disrupt SMAD6 protein function with a negative predictive value of 80%. In summary, the available evidence is currently insufficient to determine the role of this variant in disease. Therefore, it has been classified as a Variant of Uncertain Significance.

Ambry Genetics
Classification: Uncertain significance for Inborn genetic diseases. Last evaluated: 2023-06-21. Review status: criteria provided, single submitter. Criteria: Ambry Variant Classification Scheme 2023. Collection method: clinical testing. Allele origin: germline.
Comment: The p.L226F variant (also known as c.676C>T), located in coding exon 1 of the SMAD6 gene, results from a C to T substitution at nucleotide position 676. The leucine at codon 226 is replaced by phenylalanine, an amino acid with highly similar properties. This amino acid position is conserved. In addition, this alteration is predicted to be tolerated by in silico analysis. Since supporting evidence is limited at this time, the clinical significance of this alteration remains unclear.

Blueprint Genetics
Classification: Uncertain significance. Last evaluated: 2022-07-19. Review status: criteria provided, single submitter. Criteria: ACMG Guidelines, 2015. Collection method: clinical testing. Allele origin: germline.

NM_005585.5(SMAD6):c.676C>T (p.Leu226Phe)

Gene: SMAD6 (SMAD family member 6; plus strand). Cytogenetic location: 15q22.31.
Variant type: single nucleotide variant.
Coding change: c.676C>T on transcript NM_005585.5 (MANE Select); coding-DNA position 676, C replaced by T.
Protein change: p.Leu226Phe; replaces leucine 226 with phenylalanine.
Molecular consequence: missense variant. On other transcripts: non-coding transcript variant (1).
Genome position (GRCh38, 1-based): chr15:66,703,934, C>T. VCF-style: chr15-66703934-C-T. GRCh37 (hg19) VCF-style: chr15-66996272-C-T.
Other names: short protein forms L226F.
Identifiers: ClinVar variation 2587747 (VCV002587747.4), dbSNP rs1300724109, ClinGen allele CA392950021.
Genomic context (GRCh38, chr15:66,703,934, plus strand): 5'-GTGCTGGTGCCGCGCGCCGACCTCCGCCTGGGCGGCCAGCCCGCGCCGCCGCAGCTGCTG[C>T]TCGGCCGCCTCTTTCGCTGGCCCGACCTGCAGCACGCCGTGGAGCTGAAGCCCCTGTGCG-3'
Protein context (NP_005576.3, residues 216-236): GGQPAPPQLL[Leu226Phe]GRLFRWPDLQ